The following is an entry in ClinVar:

ClinVar aggregate classification (germline): Uncertain significance. Review status: criteria provided, multiple submitters, no conflicts (2 of 4 stars). 5 submissions from 5 submitters: Uncertain significance (5). Last evaluated 2025-11-12.

Conditions:
Arrhythmogenic right ventricular dysplasia 5. Also called: Arrhythmogenic Right Ventricular Dysplasia/Cardiomyopathy 5; ARRHYTHMOGENIC RIGHT VENTRICULAR DYSPLASIA, FAMILIAL, 5. Identifiers: MedGen C1858379, MONDO:0011459, OMIM 604400.
Cardiomyopathy (CMYO). Also called: Cardiomyopathies. Identifiers: Orphanet 167848, MedGen C0878544, MONDO:0004994, HP:0001638. Inheritance: Various modes of inheritance.
Cardiovascular phenotype. Identifiers: MedGen CN230736.

Allele frequency attached by ClinVar (database versions not stated): gnomAD exomes 0.00001 and 0.00002; TOPMed 0.00001.
gnomAD v4.1: 36 of 1,613,690 alleles (0.0022%); highest among the groups gnomAD compares: Non-Finnish European, 0.003%; no homozygotes.

Submissions (5):

Labcorp Genetics (formerly Invitae), Labcorp
Classification: Uncertain significance for Arrhythmogenic right ventricular dysplasia 5. Last evaluated: 2025-11-12. Review status: criteria provided, single submitter. Criteria: Invitae Variant Classification Sherloc (09022015). Collection method: clinical testing. Allele origin: germline.
Comment: This sequence change replaces threonine, which is neutral and polar, with isoleucine, which is neutral and non-polar, at codon 127 of the TMEM43 protein (p.Thr127Ile). This variant is present in population databases (rs754381041, gnomAD 0.002%). This variant has not been reported in the literature in individuals affected with TMEM43-related conditions. ClinVar contains an entry for this variant (Variation ID: 925576). Invitae Evidence Modeling of protein sequence and biophysical properties (such as structural, functional, and spatial information, amino acid conservation, physicochemical variation, residue mobility, and thermodynamic stability) indicates that this missense variant is not expected to disrupt TMEM43 protein function with a negative predictive value of 80%. In summary, the available evidence is currently insufficient to determine the role of this variant in disease. Therefore, it has been classified as a Variant of Uncertain Significance.

All of Us Research Program, National Institutes of Health
Classification: Uncertain significance for Arrhythmogenic right ventricular dysplasia 5. Last evaluated: 2024-07-10. Review status: criteria provided, single submitter. Criteria: ACMG Guidelines, 2015. Collection method: clinical testing. Allele origin: germline. Inheritance: Autosomal dominant inheritance. Observed: 7 variant alleles, 7 heterozygotes.
Comment: This missense variant replaces threonine with isoleucine at codon 127 of the TMEM43 protein. Computational prediction suggests that this variant may not impact protein structure and function (internally defined REVEL score threshold <= 0.5, PMID: 27666373). Splice site prediction tools suggest that this variant may not impact RNA splicing. To our knowledge, functional studies have not been performed for this variant. This variant has not been reported in individuals affected with cardiovascular disorders in the literature. This variant has been identified in 2/250930 chromosomes in the general population by the Genome Aggregation Database (gnomAD). The available evidence is insufficient to determine the role of this variant in disease conclusively. Therefore, this variant is classified as a Variant of Uncertain Significance.

This study involves interpretation of variants in research participants for the purpose of population health screening. Participant phenotype was not available at the time of variant classification. Additional details can be found in publication PMID: 35346344, PMCID: PMC8962531

Ambry Genetics
Classification: Uncertain significance for Cardiovascular phenotype. Last evaluated: 2024-04-17. Review status: criteria provided, single submitter. Criteria: Ambry Variant Classification Scheme 2023. Collection method: clinical testing. Allele origin: germline.

Color Diagnostics, LLC DBA Color Health
Classification: Uncertain significance for Cardiomyopathy. Last evaluated: 2024-03-06. Review status: criteria provided, single submitter. Criteria: ACMG Guidelines, 2015. Collection method: clinical testing. Allele origin: germline.
Comment: This missense variant replaces threonine with isoleucine at codon 127 of the TMEM43 protein. Computational prediction suggests that this variant may not impact protein structure and function (internally defined REVEL score threshold <= 0.5, PMID: 27666373). To our knowledge, functional studies have not been reported for this variant. This variant has not been reported in individuals affected with TMEM43-related disorders in the literature. This variant has been identified in 2/250930 chromosomes in the general population by the Genome Aggregation Database (gnomAD). The available evidence is insufficient to determine the role of this variant in disease conclusively. Therefore, this variant is classified as a Variant of Uncertain Significance.

GeneDx
Classification: Uncertain significance. Last evaluated: 2020-02-21. Review status: criteria provided, single submitter. Criteria: GeneDx Variant Classification Process June 2021. Collection method: clinical testing. Allele origin: germline. Affected: yes.
Comment: Has not been previously published as pathogenic or benign to our knowledge; Not observed at a significant frequency in large population cohorts (Lek et al., 2016); In silico analysis supports that this missense variant does not alter protein structure/function

NM_024334.3(TMEM43):c.380C>T (p.Thr127Ile)

Gene: TMEM43 (transmembrane protein 43; plus strand). Cytogenetic location: 3p25.1.
Variant type: single nucleotide variant.
Coding change: c.380C>T on transcript NM_024334.3 (MANE Select); coding-DNA position 380, C replaced by T.
Protein change: p.Thr127Ile; replaces threonine 127 with isoleucine.
Molecular consequence: missense variant.
Genome position (GRCh38, 1-based): chr3:14,131,662, C>T. VCF-style: chr3-14131662-C-T. GRCh37 (hg19) VCF-style: chr3-14173162-C-T.
Other names: short protein forms T127I.
Identifiers: ClinVar variation 925576 (VCV000925576.17), dbSNP rs754381041, ClinGen allele CA69729421.
Genomic context (GRCh38, chr3:14,131,662, plus strand): 5'-GGGTCCATCTTCCGGCTGTGAAACTGCGGAGGCACGTGGAGATGTACCAATGGGTAGAAA[C>T]TGAGGAGTCCAGGTGAGCTGTTGGGGTGAAAACTCTGTTGGGGTAAAGGAGGAGTGAAGT-3'
Protein context (NP_077310.1, residues 117-137): RHVEMYQWVE[Thr127Ile]EESREYTEDG